The following is an entry in ClinVar:

NM_004311.4(ARL3):c.70G>A (p.Gly24Ser)

Gene: ARL3 (ARF like GTPase 3; minus strand). Cytogenetic location: 10q24.32.
Variant type: single nucleotide variant.
Coding change: c.70G>A on transcript NM_004311.4 (MANE Select); coding-DNA position 70, G replaced by A.
Protein change: p.Gly24Ser; replaces glycine 24 with serine.
Molecular consequence: missense variant.
Genome position (GRCh38, 1-based): chr10:102,705,423, C>T on the plus strand (G>A on the coding strand, the complement: ARL3 is on the minus strand). VCF-style: chr10-102705423-C-T. GRCh37 (hg19) VCF-style: chr10-104465180-C-T.
Other names: short protein forms G24S.
Identifiers: ClinVar variation 1353326 (VCV001353326.8), dbSNP rs2136008716, ClinGen allele CA377923766.
Genomic context (GRCh38, chr10:102,705,423, plus strand): 5'-GGCTGATGTCTTCAGATGCAAGCTGCTTCAGAAGAGTGGTCTTGCCAGCATTATCCAAGC[C>T]CAGGAGAAGTATTCTCACCTCCTGGTCTGGTGCACTTTTCAACTTGCGCAAAATTGAGAG-3'
Protein context (NP_004302.1, residues 14-34): PDQEVRILLL[Gly24Ser]LDNAGKTTLL

ClinVar aggregate classification (germline): Uncertain significance (1 of 4 stars; one submission).

Submission:

Labcorp Genetics (formerly Invitae), Labcorp
Classification: Uncertain significance. Last evaluated: 2025-09-28. Review status: criteria provided, single submitter. Criteria: Invitae Variant Classification Sherloc (09022015). Collection method: clinical testing. Allele origin: germline.
Comment: This sequence change replaces glycine, which is neutral and non-polar, with serine, which is neutral and polar, at codon 24 of the ARL3 protein (p.Gly24Ser). This variant is not present in population databases (gnomAD no frequency). This variant has not been reported in the literature in individuals affected with ARL3-related conditions. ClinVar contains an entry for this variant (Variation ID: 1353326). An algorithm developed to predict the effect of missense changes on protein structure and function (PolyPhen-2) suggests that this variant is likely to be disruptive. In summary, the available evidence is currently insufficient to determine the role of this variant in disease. Therefore, it has been classified as a Variant of Uncertain Significance.